The following is an entry in ClinVar:

ClinVar aggregate classification (germline): Uncertain significance. Review status: criteria provided, multiple submitters, no conflicts (2 of 4 stars). 2 submissions from 2 submitters: Uncertain significance (2). Last evaluated 2025-03-18.

Allele frequency attached by ClinVar (database versions not stated): gnomAD exomes 0.00001 and 0.00002; ExAC 0.00002; gnomAD 0.00003; TOPMed 0.00005; 1000 Genomes Project 30x 0.00016; 1000 Genomes Project 0.00020.
gnomAD v4.1: 38 of 1,613,644 alleles (0.0024%); highest among the groups gnomAD compares: African/African-American, 0.0053%; no homozygotes.

Submissions (2):

Labcorp Genetics (formerly Invitae), Labcorp
Classification: Uncertain significance. Last evaluated: 2025-03-18. Review status: criteria provided, single submitter. Criteria: Invitae Variant Classification Sherloc (09022015). Collection method: clinical testing. Allele origin: germline.
Comment: This sequence change replaces arginine, which is basic and polar, with cysteine, which is neutral and slightly polar, at codon 133 of the SPP2 protein (p.Arg133Cys). This variant is present in population databases (rs575965941, gnomAD 0.004%). This variant has not been reported in the literature in individuals affected with SPP2-related conditions. ClinVar contains an entry for this variant (Variation ID: 960811). An algorithm developed to predict the effect of missense changes on protein structure and function (PolyPhen-2) suggests that this variant is likely to be disruptive. In summary, the available evidence is currently insufficient to determine the role of this variant in disease. Therefore, it has been classified as a Variant of Uncertain Significance.

Ambry Genetics
Classification: Uncertain significance. Last evaluated: 2024-11-09. Review status: criteria provided, single submitter. Criteria: Ambry Variant Classification Scheme 2023. Collection method: clinical testing. Allele origin: germline.

NM_006944.3(SPP2):c.397C>T (p.Arg133Cys)

Gene: SPP2 (secreted phosphoprotein 2; plus strand). Cytogenetic location: 2q37.1.
Variant type: single nucleotide variant.
Coding change: c.397C>T on transcript NM_006944.3 (MANE Select); coding-DNA position 397, C replaced by T.
Protein change: p.Arg133Cys; replaces arginine 133 with cysteine.
Molecular consequence: missense variant.
Genome position (GRCh38, 1-based): chr2:234,060,432, C>T. VCF-style: chr2-234060432-C-T. GRCh37 (hg19) VCF-style: chr2-234969076-C-T.
Other names: short protein forms R133C.
Identifiers: ClinVar variation 960811 (VCV000960811.11), dbSNP rs575965941, ClinGen allele CA2183182.